The following is an entry in ClinVar:

ClinVar aggregate classification (germline): Uncertain significance. Review status: criteria provided, multiple submitters, no conflicts (2 of 4 stars). 2 submissions from 2 submitters: Uncertain significance (2). Last evaluated 2024-04-22.

Conditions:
Hereditary cancer-predisposing syndrome. Also called: Neoplastic Syndromes, Hereditary; Hereditary Cancer Syndrome; Hereditary neoplastic syndrome; Tumor predisposition. Identifiers: Orphanet 140162, MedGen C0027672, MeSH D009386, MONDO:0015356.
Tuberous sclerosis 2 (TSC2). Identifiers: Orphanet 805, MedGen C1860707, MONDO:0013199, OMIM 613254.

Submissions (2):

Labcorp Genetics (formerly Invitae), Labcorp
Classification: Uncertain significance for Tuberous sclerosis 2. Last evaluated: 2024-04-22. Review status: criteria provided, single submitter. Criteria: Invitae Variant Classification Sherloc (09022015). Collection method: clinical testing. Allele origin: germline.
Comment: This sequence change replaces threonine, which is neutral and polar, with serine, which is neutral and polar, at codon 1154 of the TSC2 protein (p.Thr1154Ser). This variant is not present in population databases (gnomAD no frequency). This variant has not been reported in the literature in individuals affected with TSC2-related conditions. ClinVar contains an entry for this variant (Variation ID: 642808). Advanced modeling of protein sequence and biophysical properties (such as structural, functional, and spatial information, amino acid conservation, physicochemical variation, residue mobility, and thermodynamic stability) performed at Invitae indicates that this missense variant is not expected to disrupt TSC2 protein function with a negative predictive value of 95%. In summary, the available evidence is currently insufficient to determine the role of this variant in disease. Therefore, it has been classified as a Variant of Uncertain Significance.

Ambry Genetics
Classification: Uncertain significance for Hereditary cancer-predisposing syndrome. Last evaluated: 2023-12-15. Review status: criteria provided, single submitter. Criteria: Ambry Variant Classification Scheme 2023. Collection method: clinical testing. Allele origin: germline.
Comment: The p.T1154S variant (also known as c.3461C>G), located in coding exon 29 of the TSC2 gene, results from a C to G substitution at nucleotide position 3461. The threonine at codon 1154 is replaced by serine, an amino acid with similar properties. This amino acid position is conserved. In addition, this alteration is predicted to be tolerated by in silico analysis. Since supporting evidence is limited at this time, the clinical significance of this alteration remains unclear.

NM_000548.5(TSC2):c.3461C>G (p.Thr1154Ser)

Gene: TSC2 (TSC complex subunit 2; plus strand). Cytogenetic location: 16p13.3.
Variant type: single nucleotide variant.
Coding change: c.3461C>G on transcript NM_000548.5 (MANE Select); coding-DNA position 3461, C replaced by G.
Protein change: p.Thr1154Ser; replaces threonine 1154 with serine.
Molecular consequence: missense variant.
Genome position (GRCh38, 1-based): chr16:2,080,228, C>G. VCF-style: chr16-2080228-C-G. GRCh37 (hg19) VCF-style: chr16-2130229-C-G.
Other names: c.3329C>G, p.Thr1110Ser (NM_001077183.3, NM_001370404.1); c.3461C>G, p.Thr1154Ser (NM_001114382.3); c.3221C>G, p.Thr1074Ser (NM_001318827.2); c.3185C>G, p.Thr1062Ser (NM_001318829.2); c.2729C>G, p.Thr910Ser (NM_001318831.2); c.3362C>G, p.Thr1121Ser (NM_001318832.2); c.3332C>G, p.Thr1111Ser (NM_001363528.2, NM_001370405.1, NM_021055.3); short protein forms T1062S, T1110S, T1074S, T1121S, T910S, T1111S, T1154S.
Identifiers: ClinVar variation 642808 (VCV000642808.11), dbSNP rs377137483, ClinGen allele CA394288846.